The following is an entry in ClinVar:

ClinVar aggregate classification (germline): Uncertain significance (1 of 4 stars; one submission).

Submission:

Labcorp Genetics (formerly Invitae), Labcorp
Classification: Uncertain significance. Last evaluated: 2024-11-18. Review status: criteria provided, single submitter. Criteria: Invitae Variant Classification Sherloc (09022015). Collection method: clinical testing. Allele origin: germline.
Comment: This variant, c.56_58dup, results in the insertion of 1 amino acid(s) of the SIX5 protein (p.Val19dup), but otherwise preserves the integrity of the reading frame. This variant is not present in population databases (gnomAD no frequency). This variant has not been reported in the literature in individuals affected with SIX5-related conditions. In summary, the available evidence is currently insufficient to determine the role of this variant in disease. Therefore, it has been classified as a Variant of Uncertain Significance.

NM_175875.5(SIX5):c.56_58dup (p.Val19_Ala20insVal)

Genes: DM1-AS (DM1 locus antisense RNA; plus strand), SIX5 (SIX homeobox 5; minus strand), LOC107075317 (origin of replication in DMPK trinucleotide repeat region; plus strand). Cytogenetic location: 19q13.32.
Variant type: Duplication.
Coding change: c.56_58dup on transcript NM_175875.5 (MANE Select); coding-DNA positions 56 to 58, 3 bases duplicated (TGG; older notation c.56_58dupTGG).
Protein change: p.Val19_Ala20insVal.
Genome position (GRCh38, 1-based): chr19:45,768,787-45,768,789, CCA duplicated on the plus strand (TGG on the coding strand, the reverse complement: SIX5 is on the minus strand); duplicating any 3 consecutive bases within chr19:45,768,787-45,768,791 gives the same sequence; the c. name uses the placement nearest the transcript's 3' end. VCF-style (leftmost placement, unchanged base first): chr19-45768786-G-GCCA. GRCh37 (hg19) VCF-style: chr19-46272044-G-GCCA.
Identifiers: ClinVar variation 3670546 (VCV003670546.2).